The following is an entry in ClinVar:

NM_001267550.2(TTN):c.40478-1G>A

Gene: TTN (titin; minus strand). Cytogenetic location: 2q31.2.
Variant type: single nucleotide variant.
Coding change: c.40478-1G>A on transcript NM_001267550.2 (MANE Select); the canonical splice acceptor site of the intron before coding-DNA position 40478, G replaced by A.
Molecular consequence: splice acceptor variant.
Genome position (GRCh38, 1-based): chr2:178,642,318, C>T on the plus strand (G>A on the coding strand, the complement: TTN is on the minus strand). VCF-style: chr2-178642318-C-T. GRCh37 (hg19) VCF-style: chr2-179507045-C-T.
Other names: c.13283-1G>A (NM_003319.4); c.13859-1G>A (NM_133437.4); c.13658-1G>A (NM_133432.3); c.32774-1G>A (NM_133378.4); c.35555-1G>A (NM_001256850.1).
Identifiers: ClinVar variation 4882004 (VCV004882004.2).
Genomic context (GRCh38, chr2:178,642,318, plus strand): 5'-CCTTTGGTTCAGGTTTACGTTCCGGAAGTAATTTGCGAACTTTCTTTTCACCTCCAGGCA[C>T]TTAAAAGAATATGATTTCAAATTTTGAAGTGAATTTATATAAAAACGGAATTTCAACAAG-3'

ClinVar aggregate classification (germline): Likely pathogenic (1 of 4 stars; one submission).

Submission:

Dasa
Classification: Likely pathogenic. Last evaluated: 2025-03-22. Review status: criteria provided, single submitter. Criteria: DASA Assertion Criteria. Collection method: clinical testing. Allele origin: germline.
Comment: NM_001267550.2(TTN):c.40478-1G>A affects a canonical splice site and is predicted to disrupt normal RNA splicing. Loss of function is an established disease mechanism for TTN-associated disorders. Also, this variant is absent from population databases. Based on the currently available evidence, this variant is classified as likely pathogenic.